The following is an entry in ClinVar:

ClinVar aggregate classification (germline): Uncertain significance (1 of 4 stars; one submission).

Conditions:
Hereditary cancer-predisposing syndrome. Also called: Neoplastic Syndromes, Hereditary; Tumor predisposition; Hereditary neoplastic syndrome; Hereditary Cancer Syndrome. Identifiers: Orphanet 140162, MedGen C0027672, MeSH D009386, MONDO:0015356.

gnomAD v4.1: 1 of 1,614,128 alleles (0.000062%); highest among the groups gnomAD compares: Non-Finnish European, 0.000085%; no homozygotes.

Submission:

Ambry Genetics
Classification: Uncertain significance for Hereditary cancer-predisposing syndrome. Last evaluated: 2023-12-15. Review status: criteria provided, single submitter. Criteria: Ambry Variant Classification Scheme 2023. Collection method: clinical testing. Allele origin: germline.
Comment: The c.4089T>A variant (also known as p.I1363I), located in coding exon 20 of the MET gene, results from a T to A substitution at nucleotide position 4089. This nucleotide substitution does not change the isoleucine at codon 1363. This nucleotide position is not well conserved in available vertebrate species. In silico splice site analysis for this alteration is inconclusive. Since supporting evidence is limited at this time, the clinical significance of this alteration remains unclear.

NM_000245.4(MET):c.4035T>A (p.Ile1345=)

Gene: MET (MET proto-oncogene, receptor tyrosine kinase; plus strand). Cytogenetic location: 7q31.2.
Variant type: single nucleotide variant.
Coding change: c.4035T>A on transcript NM_000245.4 (MANE Select); coding-DNA position 4035, T replaced by A.
Protein change: p.Ile1345=; no amino-acid change (isoleucine 1345 retained).
Molecular consequence: synonymous variant.
Genome position (GRCh38, 1-based): chr7:116,795,986, T>A. VCF-style: chr7-116795986-T-A. GRCh37 (hg19) VCF-style: chr7-116436040-T-A.
Other names: c.4089T>A, p.Ile1363= (NM_001127500.3); c.2745T>A, p.Ile915= (NM_001324402.2).
Identifiers: ClinVar variation 3232992 (VCV003232992.1), dbSNP rs2485874617, ClinGen allele CA457462570.